The following is an entry in ClinVar:

ClinVar aggregate classification (germline): not provided (0 of 4 stars; one submission).

Conditions:
Large for gestational age. Identifiers: MedGen C1848395, HP:0001520.

Submission:

Institute of Molecular and Cell Biology, University of Tartu
No classification provided. Condition: Large for gestational age. Review status: no classification provided. Collection method: case-control. Allele origin: unknown. Affected: yes. Study: Kasak2014.
Comment: The study aimed to determine the contribution of copy number variants in the genetic etiology of normal and complicated pregnancies. The samples represented (i) maternal blood DNA drawn from healthy pregnant women during 1st or 2nd trimester and (ii) maternal and paternal blood DNA drawn at term pregnancy cases representing normal and complicated gestations (severe preeclampsia, PE; gestational diabetes, GD; small-for-gestational age newborn, SGA; large-for-gestational age newborn, LGA). We performed CNV calling based on genome-wide genotyping dataset (Illumina HumanOmniExpress-24-v1 BeadChip) by applying three algorithms, QuantiSNP, GADA (Genome Alteration Detection Algorithm) and CNstream in parallel. The acquired CNV calls were merged with HD-CNV (Hotspot Detector for Copy Number Variants) program and only the CNVs predicted by at least two programs, were considered in subsequent analysis.

Literature cited by the submitters: PubMed 25666259.

NC_000011.10:g.134478080_134850279dup

Genes: B3GAT1-DT (B3GAT1 divergent transcript; plus strand), LINC02706 (long intergenic non-protein coding RNA 2706; plus strand), LINC02714 (long intergenic non-protein coding RNA 2714; plus strand), LOC121392954 (Sharpr-MPRA regulatory region 2456; plus strand), LOC126861407 (BRD4-independent group 4 enhancer GRCh37_chr11:134617746-134618945; plus strand) and 1 more. Cytogenetic location: 11q25.
Variant type: Duplication.
Identifiers: ClinVar variation 157231 (VCV000157231.3).